The following is an entry in ClinVar:

ClinVar aggregate classification (germline): Benign/Likely benign. Review status: criteria provided, multiple submitters, no conflicts (2 of 4 stars). 17 submissions from 17 submitters: Benign (11); Likely benign (2). 4 of the submissions do not count toward it. Last evaluated 2026-02-04.

Conditions:
Dilated cardiomyopathy 1AA (CMD1AA). Also called: CARDIOMYOPATHY, DILATED, 1AA, WITH OR WITHOUT LEFT VENTRICULAR NONCOMPACTION; CARDIOMYOPATHY, FAMILIAL HYPERTROPHIC, 23, WITH OR WITHOUT LEFT VENTRICULAR NONCOMPACTION; Cardiomyopathy, dilated, 1AA, with or without LVNC. Identifiers: Orphanet 154, MedGen C2677338, MONDO:0012808, OMIM 612158.
Myopathy, congenital, with structured cores and z-line abnormalities. Also called: MULTIPLE STRUCTURED CORE DISEASE; CONGENITAL MYOPATHY 8. Identifiers: MedGen C5231445, MONDO:0032852, OMIM 618654.
Myopathy, distal, 6, adult-onset, autosomal dominant. Identifiers: MedGen C5203349, MONDO:0032853, OMIM 618655.
Cardiovascular phenotype. Identifiers: MedGen CN230736.
Cardiomyopathy (CMYO). Also called: Cardiomyopathies. Identifiers: Orphanet 167848, MedGen C0878544, MONDO:0004994, HP:0001638. Inheritance: Various modes of inheritance.
Primary familial hypertrophic cardiomyopathy (HCM). Identifiers: Orphanet 99739, MedGen C0949658, MeSH D024741, MONDO:0024573. Inheritance: Various modes of inheritance.

Allele frequency attached by ClinVar (database versions not stated): ESP Exome Variant Server 0.00023; gnomAD 0.00230 and 0.00373; gnomAD exomes 0.00255 and 0.00778; TOPMed 0.00375; ExAC 0.00723; 1000 Genomes Project 30x 0.02405; 1000 Genomes Project 0.02576.
gnomAD v4.1: 4,559 of 1,613,920 alleles (0.28%); highest among the groups gnomAD compares: East Asian, 7.9%; 187 homozygotes.

Submissions (17):

Labcorp Genetics (formerly Invitae), Labcorp
Classification: Benign for Primary familial hypertrophic cardiomyopathy; Dilated cardiomyopathy 1AA. Last evaluated: 2026-02-04. Review status: criteria provided, single submitter. Criteria: Invitae Variant Classification Sherloc (09022015). Collection method: clinical testing. Allele origin: germline.

ARUP Laboratories, Molecular Genetics and Genomics, ARUP Laboratories
Classification: Benign. Last evaluated: 2025-05-15. Review status: criteria provided, single submitter. Criteria: ARUP Molecular Germline Variant Investigation Process 2024. Collection method: clinical testing. Allele origin: germline.

Blueprint Genetics
Classification: Likely benign. Last evaluated: 2024-11-22. Review status: criteria provided, single submitter. Criteria: ACMG Guidelines, 2015. Collection method: clinical testing. Allele origin: germline.

Fulgent Genetics
Classification: Likely benign for Dilated cardiomyopathy 1AA; Myopathy, congenital, with structured cores and z-line abnormalities; Myopathy, distal, 6, adult-onset, autosomal dominant. Last evaluated: 2021-10-24. Review status: criteria provided, single submitter. Criteria: ACMG Guidelines, 2015. Collection method: clinical testing. Allele origin: unknown.

Mayo Clinic Laboratories, Mayo Clinic
Classification: Benign. Last evaluated: 2019-04-11. Review status: criteria provided, single submitter. Criteria: ACMG Guidelines, 2015. Collection method: clinical testing. Allele origin: germline. Observed: 9 variant alleles.

Illumina Laboratory Services, Illumina
Classification: Benign for Dilated cardiomyopathy 1AA. Last evaluated: 2018-01-13. Review status: criteria provided, single submitter. Criteria: ICSL Variant Classification Criteria 13 December 2019. Collection method: clinical testing. Allele origin: germline.
Comment: This variant was observed in the ICSL laboratory as part of a predisposition screen in an ostensibly healthy population. It had not been previously curated by ICSL or reported in the Human Gene Mutation Database (HGMD: prior to June 1st, 2018), and was therefore a candidate for classification through an automated scoring system. Utilizing variant allele frequency, disease prevalence and penetrance estimates, and inheritance mode, an automated score was calculated to assess if this variant is too frequent to cause the disease. Based on the score and internal cut-off values, a variant classified as benign is not then subjected to further curation. The score for this variant resulted in a classification of benign for this disease.

CHEO Genetics Diagnostic Laboratory, Children's Hospital of Eastern Ontario
Classification: Benign for Cardiomyopathy. Last evaluated: 2016-09-22. Review status: criteria provided, single submitter. Criteria: ACMG Guidelines, 2015. Collection method: clinical testing. Allele origin: germline. Study: Canadian Open Genetics Repository.

Women's Health and Genetics/Laboratory Corporation of America, LabCorp
Classification: Benign. Last evaluated: 2016-08-02. Review status: criteria provided, single submitter. Criteria: LabCorp Variant Classification Summary - May 2015. Collection method: clinical testing. Allele origin: germline.
Comment: Variant summary: The ACTN2 c.1423G>A (p.Asp475Asn) variant involves the alteration of a conserved nucleotide. 2/3 in silico tools predict a benign outcome (SNPs&GO not captured due to low reliability index). This variant was found in 861/119100 control chromosomes (including 45 homozygotes), predominantly observed in the East Asian subpopulation at a frequency of 0.090941 (777/8544). This frequency is about 3638 times the estimated maximal expected allele frequency of a pathogenic ACTN2 variant (0.000025), strong evidence that this is a common benign polymorphism found primarily in the populations of East Asian. In addition, multiple clinical diagnostic laboratories have classified this variant as benign. This variant has also been found in patients with HCM, however, in one patient from a family another variant (TNNI3 p.Arg145Gly) was found to explain the phenotype (Zhao_2015). Taken together, this variant is classified as Benign.

Ambry Genetics
Classification: Benign for Cardiovascular phenotype. Last evaluated: 2016-03-17. Review status: criteria provided, single submitter. Criteria: Ambry Variant Classification Scheme 2023. Collection method: clinical testing. Allele origin: germline.

Biesecker Lab/Clinical Genomics Section, National Institutes of Health
Classification: Benign. Last evaluated: 2013-06-24. Review status: criteria provided, single submitter. Criteria: Ng et al. (Circ Cardiovasc Genet. 2013). Collection method: research. Allele origin: unknown. Observed: 9 variant alleles. Study: ClinSeq.
Comment: The study set was not selected for affection status in relation to any cancer. Pathogenicity categories were based on literature curation. See Pubmed ID:23861362 for details.

Medical sequencing

GeneDx
Classification: Benign. Last evaluated: 2013-01-07. Review status: criteria provided, single submitter. Criteria: GeneDx Variant Classification (06012015). Collection method: clinical testing. Allele origin: germline. Affected: yes.
Comment: This variant is considered likely benign or benign based on one or more of the following criteria: it is a conservative change, it occurs at a poorly conserved position in the protein, it is predicted to be benign by multiple in silico algorithms, and/or has population frequency not consistent with disease.

Laboratory for Molecular Medicine, Mass General Brigham Personalized Medicine
Classification: Benign. Last evaluated: 2011-09-19. Review status: criteria provided, single submitter. Criteria: LMM Criteria. Collection method: clinical testing. Allele origin: germline. Observed: 22 variant alleles.

Breakthrough Genomics
Classification: Benign. Review status: criteria provided, single submitter. Criteria: ACMG Guidelines, 2015. Collection method: not provided. Allele origin: germline. Inheritance: Autosomal dominant inheritance. Affected: yes.

Clinical Genetics DNA and cytogenetics Diagnostics Lab, Erasmus MC, Erasmus Medical Center
Classification: Benign. Review status: no assertion criteria provided. Collection method: clinical testing. Allele origin: germline. Affected: yes. Study: VKGL Data-share Consensus. Not counted in ClinVar's aggregate classification.

Clinical Genetics, Academic Medical Center
Classification: Benign. Review status: no assertion criteria provided. Collection method: clinical testing. Allele origin: germline. Affected: yes. Study: VKGL Data-share Consensus. Not counted in ClinVar's aggregate classification.

Genome Diagnostics Laboratory, University Medical Center Utrecht
Classification: Benign. Review status: no assertion criteria provided. Collection method: clinical testing. Allele origin: germline. Affected: yes. Study: VKGL Data-share Consensus. Not counted in ClinVar's aggregate classification.

Joint Genome Diagnostic Labs from Nijmegen and Maastricht, Radboudumc and MUMC+
Classification: Benign. Review status: no assertion criteria provided. Collection method: clinical testing. Allele origin: germline. Affected: yes. Study: VKGL Data-share Consensus. Not counted in ClinVar's aggregate classification.

NM_001103.4(ACTN2):c.1423G>A (p.Asp475Asn)

Gene: ACTN2 (actinin alpha 2; plus strand). Cytogenetic location: 1q43.
Variant type: single nucleotide variant.
Coding change: c.1423G>A on transcript NM_001103.4 (MANE Select); coding-DNA position 1423, G replaced by A.
Protein change: p.Asp475Asn; replaces aspartic acid 475 with asparagine.
Molecular consequence: missense variant.
Genome position (GRCh38, 1-based): chr1:236,747,683, G>A. VCF-style: chr1-236747683-G-A. GRCh37 (hg19) VCF-style: chr1-236910983-G-A.
Other names: p.D475N:GAC>AAC; c.1423G>A, p.Asp475Asn (NM_001278343.2); c.799G>A, p.Asp267Asn (NM_001278344.2); short protein forms D475N, D267N.
Identifiers: ClinVar variation 43908 (VCV000043908.36), dbSNP rs80257412, ClinGen allele CA133135.